The following is an entry in ClinVar:

ClinVar aggregate classification (germline): Benign/Likely benign. Review status: criteria provided, multiple submitters, no conflicts (2 of 4 stars). 5 submissions from 5 submitters: Benign (2); Likely benign (3). Last evaluated 2026-01-16.

Conditions:
RASopathy. Also called: rasopathies; Noonan spectrum disorder. Identifiers: Orphanet 536391, MedGen C5555857, MONDO:0021060.

Allele frequency attached by ClinVar (database versions not stated): TOPMed 0.00006.
gnomAD v4.1: 384 of 1,552,966 alleles (0.025%); highest among the groups gnomAD compares: South Asian, 0.18%; 3 homozygotes.

Submissions (5):

Labcorp Genetics (formerly Invitae), Labcorp
Classification: Benign for RASopathy. Last evaluated: 2026-01-16. Review status: criteria provided, single submitter. Criteria: Invitae Variant Classification Sherloc (09022015). Collection method: clinical testing. Allele origin: germline.

Blueprint Genetics
Classification: Likely benign. Last evaluated: 2024-11-27. Review status: criteria provided, single submitter. Criteria: ACMG Guidelines, 2015. Collection method: clinical testing. Allele origin: germline.

Women's Health and Genetics/Laboratory Corporation of America, LabCorp
Classification: Benign. Last evaluated: 2019-12-30. Review status: criteria provided, single submitter. Criteria: LabCorp Variant Classification Summary - May 2015. Collection method: clinical testing. Allele origin: germline.
Comment: Variant summary: MAP2K2 c.705+11G>A alters a non-conserved nucleotide located close to a canonical splice site and therefore could affect mRNA splicing, leading to a significantly altered protein sequence. 5/5 computational tools predict no significant impact on normal splicing. However, these predictions have yet to be confirmed by functional studies. The variant allele was found at a frequency of 0.00036 in 161918 control chromosomes, predominantly at a frequency of 0.002 within the South Asian subpopulation in the gnomAD database, including 1 homozygote. The observed variant frequency within South Asian control individuals in the gnomAD database is approximately 800 fold of the estimated maximal expected allele frequency for a pathogenic variant in MAP2K2 causing Noonan Syndrome and Related Conditions phenotype (2.5e-06), strongly suggesting that the variant is a benign polymorphism. To our knowledge, no occurrence of c.705+11G>A in individuals affected with Noonan Syndrome and Related Conditions and no experimental evidence demonstrating its impact on protein function have been reported. One clinical diagnostic laboratory has submitted clinical-significance assessments for this variant to ClinVar after 2014, and classified the variant as likely benign. Based on the evidence outlined above, the variant was classified as benign.

Laboratory for Molecular Medicine, Mass General Brigham Personalized Medicine
Classification: Likely benign. Last evaluated: 2015-10-16. Review status: criteria provided, single submitter. Criteria: LMM Criteria. Collection method: clinical testing. Allele origin: germline. Observed: 1 variant allele.
Comment: c.705+11G>A in intron 6 of MAP2K2: This variant is not expected to have clinical significance because it is not located within the splice consensus sequence. I t has been identified in 0.2% (19/7954) of South Asian chromosomes by the Exome Aggregation Consortium (ExAC; dbSNP rs202086678) .

PreventionGenetics, part of Exact Sciences
Classification: Likely benign. Review status: criteria provided, single submitter. Criteria: ACMG Guidelines, 2015. Collection method: clinical testing. Allele origin: germline.

NM_030662.4(MAP2K2):c.705+11G>A

Gene: MAP2K2 (mitogen-activated protein kinase kinase 2; minus strand). Cytogenetic location: 19p13.3.
Variant type: single nucleotide variant.
Coding change: c.705+11G>A on transcript NM_030662.4 (MANE Select); 11 bases into the intron after coding-DNA position 705, G replaced by A.
Molecular consequence: intron variant.
Genome position (GRCh38, 1-based): chr19:4,101,008, C>T on the plus strand (G>A on the coding strand, the complement: MAP2K2 is on the minus strand). VCF-style: chr19-4101008-C-T. GRCh37 (hg19) VCF-style: chr19-4101006-C-T.
Identifiers: ClinVar variation 227540 (VCV000227540.14), dbSNP rs202086678, ClinGen allele CA9090852.